The following is an entry in ClinVar:

NM_000341.4(SLC3A1):c.566C>A (p.Thr189Lys)

Gene: SLC3A1 (solute carrier family 3 member 1; plus strand). Cytogenetic location: 2p21.
Variant type: single nucleotide variant.
Coding change: c.566C>A on transcript NM_000341.4 (MANE Select); coding-DNA position 566, C replaced by A.
Protein change: p.Thr189Lys; replaces threonine 189 with lysine.
Molecular consequence: missense variant.
Genome position (GRCh38, 1-based): chr2:44,280,851, C>A. VCF-style: chr2-44280851-C-A. GRCh37 (hg19) VCF-style: chr2-44507990-C-A.
Other names: short protein forms T189K.
Identifiers: ClinVar variation 962290 (VCV000962290.10), dbSNP rs140317484, ClinGen allele CA1640164.
Genomic context (GRCh38, chr2:44,280,851, plus strand): 5'-CCCTTAAAGATTTCAGATATGGTGTTGAAGATTTCCGGGAAGTTGATCCCATTTTTGGAA[C>A]GATGGAAGATTTTGAGAATCTGGTTGCAGCCATACATGATAAAGGTAAGTTGAATGGAAA-3'
Protein context (NP_000332.2, residues 179-199): DFREVDPIFG[Thr189Lys]MEDFENLVAA

ClinVar aggregate classification (germline): Uncertain significance. Review status: criteria provided, multiple submitters, no conflicts (2 of 4 stars). 2 submissions from 2 submitters: Uncertain significance (2). Last evaluated 2022-03-30.

Conditions:
Cystinuria (CSNU). Also called: Cystinuria, non-type I; CYSTINURIA, TYPE I; CYSTINURIA, TYPE II; CYSTINURIA, TYPE III. Identifiers: Orphanet 214, MedGen C0010691, MONDO:0009067, OMIM 220100, HP:0003131.

Submissions (2):

Fulgent Genetics
Classification: Uncertain significance for Cystinuria. Last evaluated: 2022-03-30. Review status: criteria provided, single submitter. Criteria: ACMG Guidelines, 2015. Collection method: clinical testing. Allele origin: unknown.

Labcorp Genetics (formerly Invitae), Labcorp
Classification: Uncertain significance for Cystinuria. Last evaluated: 2019-07-30. Review status: criteria provided, single submitter. Criteria: Invitae Variant Classification Sherloc (09022015). Collection method: clinical testing. Allele origin: germline.
Comment: This variant is present in population databases (rs140317484, ExAC 0.01%). This variant has not been reported in the literature in individuals with SLC3A1-related conditions. This sequence change replaces threonine with lysine at codon 189 of the SLC3A1 protein (p.Thr189Lys). The threonine residue is moderately conserved and there is a moderate physicochemical difference between threonine and lysine. In summary, the available evidence is currently insufficient to determine the role of this variant in disease. Therefore, it has been classified as a Variant of Uncertain Significance. Algorithms developed to predict the effect of sequence changes on RNA splicing suggest that this variant may create or strengthen a splice site, but this prediction has not been confirmed by published transcriptional studies. Algorithms developed to predict the effect of missense changes on protein structure and function are either unavailable or do not agree on the potential impact of this missense change (SIFT: "Deleterious"; PolyPhen-2: "Probably Damaging"; Align-GVGD: "Class C0").